The following is an entry in ClinVar:

NM_144687.4(NLRP12):c.609C>T (p.Asp203=)

Gene: NLRP12 (NLR family pyrin domain containing 12; minus strand). Cytogenetic location: 19q13.42.
Variant type: single nucleotide variant.
Coding change: c.609C>T on transcript NM_144687.4 (MANE Select); coding-DNA position 609, C replaced by T.
Protein change: p.Asp203=; no amino-acid change (aspartic acid 203 retained).
Molecular consequence: synonymous variant.
Genome position (GRCh38, 1-based): chr19:53,811,050, G>A on the plus strand (C>T on the coding strand, the complement: NLRP12 is on the minus strand). VCF-style: chr19-53811050-G-A. GRCh37 (hg19) VCF-style: chr19-54314304-G-A.
Other names: c.609C>T, p.Asp203= (NM_001277126.2, NM_001277129.1).
Identifiers: ClinVar variation 330041 (VCV000330041.29), dbSNP rs34854934, ClinGen allele CA9639664.

ClinVar aggregate classification (germline): Benign. Review status: criteria provided, multiple submitters, no conflicts (2 of 4 stars). 6 submissions from 6 submitters: Benign (6). Last evaluated 2026-01-28.

Conditions:
Autoinflammatory syndrome. Identifiers: Orphanet 93665, MedGen C3890737, MONDO:0019751.
Familial cold autoinflammatory syndrome 2 (FCAS2). Identifiers: Orphanet 247868, MedGen C2673198, MONDO:0012724, OMIM 611762.

Allele frequency attached by ClinVar (database versions not stated): gnomAD exomes 0.00125 and 0.00322; ExAC 0.00404; gnomAD 0.01168; 1000 Genomes Project 0.01178; TOPMed 0.01203; 1000 Genomes Project 30x 0.01296; ESP Exome Variant Server 0.01361.
gnomAD v4.1: 3,542 of 1,612,588 alleles (0.22%); highest among the groups gnomAD compares: African/African-American, 3.9%; 61 homozygotes.

Submissions (6):

Labcorp Genetics (formerly Invitae), Labcorp
Classification: Benign for Familial cold autoinflammatory syndrome 2. Last evaluated: 2026-01-28. Review status: criteria provided, single submitter. Criteria: Invitae Variant Classification Sherloc (09022015). Collection method: clinical testing. Allele origin: germline.

Women's Health and Genetics/Laboratory Corporation of America, LabCorp
Classification: Benign. Last evaluated: 2026-01-22. Review status: criteria provided, single submitter. Criteria: LabCorp Variant Classification Summary - May 2015. Collection method: clinical testing. Allele origin: germline.

ARUP Laboratories, Molecular Genetics and Genomics, ARUP Laboratories
Classification: Benign for Familial cold autoinflammatory syndrome 2. Last evaluated: 2024-06-05. Review status: criteria provided, single submitter. Criteria: ARUP Molecular Germline Variant Investigation Process 2024. Collection method: clinical testing. Allele origin: germline.

Genome Diagnostics Laboratory, The Hospital for Sick Children
Classification: Benign for Autoinflammatory syndrome. Last evaluated: 2021-07-20. Review status: criteria provided, single submitter. Criteria: ACMG Guidelines, 2015. Collection method: clinical testing. Allele origin: germline. Affected: yes.

Illumina Laboratory Services, Illumina
Classification: Benign for Familial cold autoinflammatory syndrome 2. Last evaluated: 2018-01-12. Review status: criteria provided, single submitter. Criteria: ICSL Variant Classification Criteria 13 December 2019. Collection method: clinical testing. Allele origin: germline.
Comment: This variant was observed in the ICSL laboratory as part of a predisposition screen in an ostensibly healthy population. It had not been previously curated by ICSL or reported in the Human Gene Mutation Database (HGMD: prior to June 1st, 2018), and was therefore a candidate for classification through an automated scoring system. Utilizing variant allele frequency, disease prevalence and penetrance estimates, and inheritance mode, an automated score was calculated to assess if this variant is too frequent to cause the disease. Based on the score and internal cut-off values, a variant classified as benign is not then subjected to further curation. The score for this variant resulted in a classification of benign for this disease.

Breakthrough Genomics
Classification: Benign. Review status: criteria provided, single submitter. Criteria: ACMG Guidelines, 2015. Collection method: not provided. Allele origin: germline. Inheritance: Autosomal dominant inheritance. Affected: yes.